The following is an entry in ClinVar:

NM_002473.6(MYH9):c.1260G>C (p.Ala420=)

Gene: MYH9 (myosin heavy chain 9; minus strand). Cytogenetic location: 22q12.3.
Variant type: single nucleotide variant.
Coding change: c.1260G>C on transcript NM_002473.6 (MANE Select); coding-DNA position 1260, G replaced by C.
Protein change: p.Ala420=; no amino-acid change (alanine 420 retained).
Molecular consequence: synonymous variant.
Genome position (GRCh38, 1-based): chr22:36,316,637, C>G on the plus strand (G>C on the coding strand, the complement: MYH9 is on the minus strand). VCF-style: chr22-36316637-C-G. GRCh37 (hg19) VCF-style: chr22-36712682-C-G.
Identifiers: ClinVar variation 505409 (VCV000505409.6), dbSNP rs369202401, ClinGen allele CA10210323.
Genomic context (GRCh38, chr22:36,316,637, plus strand): 5'-GGTCTTGTCCAGAGCCTTGTTGATGCGCAGCACCAGCCAGCGGAACATCCGCTCATAGGT[C>G]GCCTTGGCCAAGGCCTCGATGGCAAAGTCAGCCTGCGGGGCACACCCGGGGAGCGTGGTG-3'
Protein context (NP_002464.1, residues 410-430): ADFAIEALAK[Ala420=]TYERMFRWLV

ClinVar aggregate classification (germline): Likely benign. Review status: criteria provided, multiple submitters, no conflicts (2 of 4 stars). 2 submissions from 2 submitters: Likely benign (2). Last evaluated 2025-10-23.

Allele frequency attached by ClinVar (database versions not stated): TOPMed 0.00002.
gnomAD v4.1: 14 of 1,613,906 alleles (0.00087%); highest among the groups gnomAD compares: Non-Finnish European, 0.0012%; no homozygotes.

Submissions (2):

Labcorp Genetics (formerly Invitae), Labcorp
Classification: Likely benign. Last evaluated: 2025-10-23. Review status: criteria provided, single submitter. Criteria: Invitae Variant Classification Sherloc (09022015). Collection method: clinical testing. Allele origin: germline.

Laboratory for Molecular Medicine, Mass General Brigham Personalized Medicine
Classification: Likely benign. Last evaluated: 2016-10-27. Review status: criteria provided, single submitter. Criteria: LMM Criteria. Collection method: clinical testing. Allele origin: germline. Observed: 1 variant allele.
Comment: p.Ala420Ala in exon 12 of MYH9: This variant is not expected to have clinical si gnificance because it does not alter an amino acid residue, and is not located w ithin the splice consensus sequence. It has been identified in 2/66234 European chromosomes by the Exome Aggregation Consortium (ExAC; dbSNP rs369202401).